The following is an entry in ClinVar:

NM_000528.4(MAN2B1):c.2437-2A>C

Gene: MAN2B1 (mannosidase alpha class 2B member 1; minus strand). Cytogenetic location: 19p13.13.
Variant type: single nucleotide variant.
Coding change: c.2437-2A>C on transcript NM_000528.4 (MANE Select); the canonical splice acceptor site of the intron before coding-DNA position 2437, A replaced by C.
Molecular consequence: splice acceptor variant.
Genome position (GRCh38, 1-based): chr19:12,648,404, T>G on the plus strand (A>C on the coding strand, the complement: MAN2B1 is on the minus strand). VCF-style: chr19-12648404-T-G. GRCh37 (hg19) VCF-style: chr19-12759218-T-G.
Other names: c.2434-2A>C (NM_001173498.2).
Identifiers: ClinVar variation 2798269 (VCV002798269.3), dbSNP rs1445197546, ClinGen allele CA404240654.

ClinVar aggregate classification (germline): Pathogenic (1 of 4 stars; one submission).

Conditions:
Deficiency of alpha-mannosidase (MANSA). Also called: Mannosidosis, alpha-, types I and II; LYSOSOMAL ALPHA-D-MANNOSIDASE DEFICIENCY; Alpha-Mannosidosis. Identifiers: Orphanet 61, MedGen C0024748, MONDO:0009561, OMIM 248500.

Submission:

Labcorp Genetics (formerly Invitae), Labcorp
Classification: Pathogenic for Deficiency of alpha-mannosidase. Last evaluated: 2023-11-09. Review status: criteria provided, single submitter. Criteria: Invitae Variant Classification Sherloc (09022015). Collection method: clinical testing. Allele origin: germline.
Comment: This sequence change affects an acceptor splice site in intron 20 of the MAN2B1 gene. It is expected to disrupt RNA splicing. Variants that disrupt the donor or acceptor splice site typically lead to a loss of protein function (PMID: 16199547), and loss-of-function variants in MAN2B1 are known to be pathogenic (PMID: 9915946, 22161967). This variant is not present in population databases (gnomAD no frequency). Disruption of this splice site has been observed in individual(s) with alpha mannosidosis (PMID: 14765545). Algorithms developed to predict the effect of sequence changes on RNA splicing suggest that this variant may disrupt the consensus splice site. For these reasons, this variant has been classified as Pathogenic.

Literature cited by the submitters: PubMed 16199547; PubMed 9915946; PubMed 22161967; PubMed 14765545.